The following is an entry in ClinVar:

NM_001080495.3(TNRC18):c.7866C>A (p.Ser2622=)

Gene: TNRC18 (trinucleotide repeat containing 18; minus strand). Cytogenetic location: 7p22.1.
Variant type: single nucleotide variant.
Coding change: c.7866C>A on transcript NM_001080495.3 (MANE Select); coding-DNA position 7866, C replaced by A.
Protein change: p.Ser2622=; no amino-acid change (serine 2622 retained).
Molecular consequence: synonymous variant.
Genome position (GRCh38, 1-based): chr7:5,313,025, G>T on the plus strand (C>A on the coding strand, the complement: TNRC18 is on the minus strand). VCF-style: chr7-5313025-G-T. GRCh37 (hg19) VCF-style: chr7-5352656-G-T.
Identifiers: ClinVar variation 737046 (VCV000737046.12), dbSNP rs778943778, ClinGen allele CA4143588.

ClinVar aggregate classification (germline): Likely benign. Review status: criteria provided, multiple submitters, no conflicts (2 of 4 stars). 3 submissions from 3 submitters: Likely benign (3). Last evaluated 2025-09-01.

Allele frequency attached by ClinVar (database versions not stated): gnomAD exomes 0.00002; gnomAD 0.00007; ExAC 0.00011.

Submissions (3):

CeGaT Center for Human Genetics Tuebingen
Classification: Likely benign. Last evaluated: 2025-09-01. Review status: criteria provided, single submitter. Criteria: CeGaT Center For Human Genetics Tuebingen Variant Classification Criteria Version 2. Collection method: clinical testing. Allele origin: germline. Affected: yes. Observed: 1 variant allele.
Comment: TNRC18: BP4, BP7

Labcorp Genetics (formerly Invitae), Labcorp
Classification: Likely benign. Last evaluated: 2018-04-12. Review status: criteria provided, single submitter. Criteria: Invitae Variant Classification Sherloc (09022015). Collection method: clinical testing. Allele origin: germline.

Breakthrough Genomics
Classification: Likely benign. Review status: criteria provided, single submitter. Criteria: ACMG Guidelines, 2015. Collection method: not provided. Allele origin: germline. Inheritance: Unknown mechanism. Affected: yes.